The following is an entry in ClinVar:

NM_001987.5(ETV6):c.820A>G (p.Met274Val)

Gene: ETV6 (ETS variant transcription factor 6; plus strand). Cytogenetic location: 12p13.2.
Variant type: single nucleotide variant.
Coding change: c.820A>G on transcript NM_001987.5 (MANE Select); coding-DNA position 820, A replaced by G.
Protein change: p.Met274Val; replaces methionine 274 with valine.
Molecular consequence: missense variant.
Genome position (GRCh38, 1-based): chr12:11,869,780, A>G. VCF-style: chr12-11869780-A-G. GRCh37 (hg19) VCF-style: chr12-12022714-A-G.
Other names: c.817A>G, p.Met273Val (NM_001413913.1); c.793A>G, p.Met265Val (NM_001413914.1); c.556A>G, p.Met186Val (NM_001413915.1); c.820A>G, p.Met274Val (NM_001413916.1, NM_001413917.1); short protein forms M274V, M265V, M273V, M186V.
Identifiers: ClinVar variation 4020030 (VCV004020030.1).

ClinVar aggregate classification (germline): Uncertain significance (1 of 4 stars; one submission).

Conditions:
Inborn genetic diseases. Identifiers: MedGen C0950123, MeSH D030342.

Submission:

Ambry Genetics
Classification: Uncertain significance for Inborn genetic diseases. Last evaluated: 2025-04-19. Review status: criteria provided, single submitter. Criteria: Ambry Variant Classification Scheme 2023. Collection method: clinical testing. Allele origin: germline.
Comment: The p.M274V variant (also known as c.820A>G), located in coding exon 5 of the ETV6 gene, results from an A to G substitution at nucleotide position 820. The methionine at codon 274 is replaced by valine, an amino acid with highly similar properties. This amino acid position is conserved. In addition, this alteration is predicted to be tolerated by in silico analysis. Based on the available evidence, the clinical significance of this variant remains unclear.